The following is an entry in ClinVar:

ClinVar aggregate classification (germline): Pathogenic/Likely pathogenic. Review status: criteria provided, multiple submitters, no conflicts (2 of 4 stars). 2 submissions from 2 submitters: Pathogenic (1); Likely pathogenic (1). Last evaluated 2023-02-14.

Conditions:
Ehlers-Danlos syndrome, type 4 (EDSVASC). Also called: Ehlers-Danlos syndrome vascular type; Ehlers Danlos syndrome, ecchymotic type; Ehlers Danlos syndrome, arterial type; Ehlers Danlos syndrome, Sack-Barabas type; Ehlers-Danlos Syndrome Type IV. Identifiers: Orphanet 286, MedGen C0268338, MONDO:0017314, OMIM 130050.

Submissions (2):

Labcorp Genetics (formerly Invitae), Labcorp
Classification: Pathogenic for Ehlers-Danlos syndrome, type 4. Last evaluated: 2023-02-14. Review status: criteria provided, single submitter. Criteria: Invitae Variant Classification Sherloc (09022015). Collection method: clinical testing. Allele origin: germline.
Comment: This sequence change creates a premature translational stop signal (p.Gly1086Alafs*147) in the COL3A1 gene. It is expected to result in an absent or disrupted protein product. Loss-of-function variants in COL3A1 are known to be pathogenic (PMID: 24922459). This variant is not present in population databases (gnomAD no frequency). This premature translational stop signal has been observed in individual(s) with vascular Ehlers-Danlos syndrome (PMID: 31394236). ClinVar contains an entry for this variant (Variation ID: 432956). Algorithms developed to predict the effect of sequence changes on RNA splicing suggest that this variant may disrupt the consensus splice site. For these reasons, this variant has been classified as Pathogenic.

GeneDx
Classification: Likely pathogenic. Last evaluated: 2017-06-26. Review status: criteria provided, single submitter. Criteria: GeneDx Variant Classification (06012015). Collection method: clinical testing. Allele origin: germline. Affected: yes.
Comment: Although the c.3257_3266del10 likely pathogenic variant in the COL3A1 gene has not been reported to our knowledge, this variant causes a shift in reading frame starting at codon glycine 1086, changing it to an alanine, and creating a premature stop codon at position 147 of the new reading frame, denoted p.Gly1086AlafsX147. This variant is expected to result in either an abnormal, truncated protein product or loss of protein from this allele through nonsense-mediated mRNA decay. Other frameshift variants in the COL3A1 gene have been reported in Human Gene Mutation Database in association with EDS (Stenson et al., 2014), indicating that loss of function is a mechanism of disease for this gene. Furthermore, the c.3257_3266del10 variant has not been observed in large population cohorts (Lek et al., 2016; 1000 Genomes Consortium et al., 2015; Exome Variant Server).

Literature cited by the submitters: PubMed 24922459 (cited by Labcorp Genetics (formerly Invitae), Labcorp); PubMed 31394236 (cited by Labcorp Genetics (formerly Invitae), Labcorp).

NM_000090.3(COL3A1):c.3257_3266delGTCCTCAAGG

Gene: COL3A1 (collagen type III alpha 1 chain; plus strand). Cytogenetic location: 2q32.2.
Variant type: Deletion.
Coding change: c.3257_3266delGTCCTCAAGG on transcript NM_000090.3; coding-DNA positions 3257 to 3266, 10 bases deleted (GTCCTCAAGG).
Genome position (GRCh38, 1-based): chr2:189,007,501-189,007,510, GTCCTCAAGG deleted; deleting any 10 consecutive bases within chr2:189,007,497-189,007,510 gives the same sequence; the c. name uses the placement nearest the transcript's 3' end. VCF-style (leftmost placement, unchanged base first): chr2-189007496-AAAGGGTCCTC-A. GRCh37 (hg19) VCF-style: chr2-189872222-AAAGGGTCCTC-A.
Identifiers: ClinVar variation 432956 (VCV000432956.6), ClinGen allele CA645372374.